The following is an entry in ClinVar:

ClinVar aggregate classification (germline): Pathogenic (1 of 4 stars; one submission).

Conditions:
Polycystic kidney disease, adult type (PKD1). Also called: Polycystic Kidney Disease 1, Autosomal Dominant; Polycystic kidney disease 1; Polycystic kidney disease 1, severe; Polycystic Kidney, Autosomal Dominant; POLYCYSTIC KIDNEY DISEASE 1 WITH OR WITHOUT POLYCYSTIC LIVER DISEASE; POLYCYSTIC KIDNEY DISEASE, ADULT, TYPE I. Identifiers: MedGen C3149841, MONDO:0008263, OMIM 173900.

Submission:

MVZ Medizinische Genetik Mainz
Classification: Pathogenic for Polycystic kidney disease, adult type. Last evaluated: 2025-05-30. Review status: criteria provided, single submitter. Criteria: UK Practice Guidelines For Variant Classification V4 01 2020. Collection method: clinical testing. Allele origin: germline. Inheritance: Autosomal dominant inheritance. Affected: yes. Observed: 1 variant allele.
Comment: ACMG Criteria: PVS1,PM2_SUP,PP4

NM_001009944.3(PKD1):c.345del (p.Phe115fs)

Gene: PKD1 (polycystin 1, transient receptor potential channel interacting; minus strand). Cytogenetic location: 16p13.3.
Variant type: Deletion.
Coding change: c.345del on transcript NM_001009944.3 (MANE Select); coding-DNA position 345, one base deleted (T; older notation c.345delT).
Protein change: p.Phe115fs; shifts the reading frame from phenylalanine 115.
Molecular consequence: frameshift variant.
Genome position (GRCh38, 1-based): chr16:2,119,128, A deleted on the plus strand (T on the coding strand, the reverse complement: PKD1 is on the minus strand); the first of 3 consecutive A bases (chr16:2,119,128-2,119,130); deleting any one gives the same sequence. VCF-style (leftmost placement, unchanged base first): chr16-2119127-TA-T. GRCh37 (hg19) VCF-style: chr16-2169128-TA-T.
Other names: c.345del, p.Phe115fs (NM_000296.4); short protein forms F115fs.
Identifiers: ClinVar variation 3907677 (VCV003907677.1).
Genomic context (GRCh38, chr16:2,119,127, plus strand): 5'-GGGGCCTGGGGTCCAGCCAGGACCCCACCCAAAGAACCACAACTTACATTTCACTTAAAT[TA>T]AATAAATTAGCAAATATTCCTTCTTCTAACGTAGAAATCTTGTTGTTGCTTATATCCCTG-3'